The following is an entry in ClinVar:

ClinVar aggregate classification (germline): Likely benign. Review status: criteria provided, multiple submitters, no conflicts (2 of 4 stars). 3 submissions from 3 submitters: Likely benign (3). Last evaluated 2026-01-28.

Conditions:
IGSF10-related disorder. Also called: IGSF10-related condition.

Allele frequency attached by ClinVar (database versions not stated): 1000 Genomes Project 0.00060; TOPMed 0.00110; ESP Exome Variant Server 0.00168.

Submissions (3):

Labcorp Genetics (formerly Invitae), Labcorp
Classification: Likely benign. Last evaluated: 2026-01-28. Review status: criteria provided, single submitter. Criteria: Invitae Variant Classification Sherloc (09022015). Collection method: clinical testing. Allele origin: germline.

PreventionGenetics, part of Exact Sciences
Classification: Likely benign for IGSF10-related condition. Last evaluated: 2025-03-20. Review status: criteria provided, single submitter. Criteria: ACMG Guidelines, 2015. Collection method: clinical testing. Allele origin: germline.
Comment: This variant is classified as likely benign based on ACMG/AMP sequence variant interpretation guidelines (Richards et al. 2015 PMID: 25741868, with internal and published modifications).

CeGaT Center for Human Genetics Tuebingen
Classification: Likely benign. Last evaluated: 2024-01-01. Review status: criteria provided, single submitter. Criteria: CeGaT Center For Human Genetics Tuebingen Variant Classification Criteria Version 2. Collection method: clinical testing. Allele origin: germline. Affected: yes. Observed: 1 variant allele.
Comment: IGSF10: BS1

NM_178822.5(IGSF10):c.7350_7353dup (p.Leu2452fs)

Gene: IGSF10 (immunoglobulin superfamily member 10; minus strand). Cytogenetic location: 3q25.1.
Variant type: Duplication.
Coding change: c.7350_7353dup on transcript NM_178822.5 (MANE Select); coding-DNA positions 7350 to 7353, 4 bases duplicated (ATCA; older notation c.7350_7353dupATCA).
Protein change: p.Leu2452fs; shifts the reading frame from leucine 2452.
Molecular consequence: frameshift variant.
Genome position (GRCh38, 1-based): chr3:151,437,208-151,437,211, TGAT duplicated on the plus strand (ATCA on the coding strand, the reverse complement: IGSF10 is on the minus strand). VCF-style (leftmost placement, unchanged base first): chr3-151437207-G-GTGAT. GRCh37 (hg19) VCF-style: chr3-151154995-G-GTGAT.
Other names: c.7350_7353dupATCA (NM_178822.4); c.1287_1290dup, p.Leu431fs (NM_001178145.3, NM_001178146.3); c.7350_7353dup, p.Leu2452fs (NM_001385060.1, NM_001385061.1, NM_001385062.1 and 1 more transcripts); short protein forms L2452fs, L431fs.
Identifiers: ClinVar variation 712512 (VCV000712512.32), dbSNP rs570110855, ClinGen allele CA2669284.